The following is an entry in ClinVar:

NM_021922.3(FANCE):c.128G>T (p.Gly43Val)

Genes: FANCE (FA complementation group E; plus strand), LOC129996245 (ATAC-STARR-seq lymphoblastoid silent region 17092; plus strand). Cytogenetic location: 6p21.31.
Variant type: single nucleotide variant.
Coding change: c.128G>T on transcript NM_021922.3 (MANE Select); coding-DNA position 128, G replaced by T.
Protein change: p.Gly43Val; replaces glycine 43 with valine.
Molecular consequence: missense variant.
Genome position (GRCh38, 1-based): chr6:35,452,673, G>T. VCF-style: chr6-35452673-G-T. GRCh37 (hg19) VCF-style: chr6-35420450-G-T.
Other names: short protein forms G43V.
Identifiers: ClinVar variation 1446270 (VCV001446270.6), dbSNP rs1767154137, ClinGen allele CA363770309.
Genomic context (GRCh38, chr6:35,452,673, plus strand): 5'-AGGCCCCCGCCCGCCTCCTGCTGCAGGCGCTGCAGGCGGGGCCTGAGGGGGCGCGGCGCG[G>T]CCTGGGGGTGCTCCGGGCGCTGGGCAGCCGCGGCTGGGAGCCCTTCGACTGGGGTCGCTT-3'
Protein context (NP_068741.1, residues 33-53): LQAGPEGARR[Gly43Val]LGVLRALGSR

ClinVar aggregate classification (germline): Uncertain significance (1 of 4 stars; one submission).

Conditions:
Fanconi anemia complementation group E (FANCE). Also called: FANCE-Related Fanconi Anemia. Identifiers: Orphanet 84, MedGen C3160739, MONDO:0010953, OMIM 600901.

gnomAD v4.1: 2 of 1,240,658 alleles (0.00016%); highest among the groups gnomAD compares: Non-Finnish European, 0.0002%; no homozygotes.

Submission:

Labcorp Genetics (formerly Invitae), Labcorp
Classification: Uncertain significance for Fanconi anemia complementation group E. Last evaluated: 2023-07-22. Review status: criteria provided, single submitter. Criteria: Invitae Variant Classification Sherloc (09022015). Collection method: clinical testing. Allele origin: germline.
Comment: This variant is not present in population databases (gnomAD no frequency). This sequence change replaces glycine, which is neutral and non-polar, with valine, which is neutral and non-polar, at codon 43 of the FANCE protein (p.Gly43Val). This variant has not been reported in the literature in individuals affected with FANCE-related conditions. ClinVar contains an entry for this variant (Variation ID: 1446270). In summary, the available evidence is currently insufficient to determine the role of this variant in disease. Therefore, it has been classified as a Variant of Uncertain Significance. Advanced modeling of protein sequence and biophysical properties (such as structural, functional, and spatial information, amino acid conservation, physicochemical variation, residue mobility, and thermodynamic stability) performed at Invitae indicates that this missense variant is expected to disrupt FANCE protein function.